The following is an entry in ClinVar:

NM_001370259.2(MEN1):c.863A>G (p.Glu288Gly)

Gene: MEN1 (menin 1; minus strand). Cytogenetic location: 11q13.1.
Variant type: single nucleotide variant.
Coding change: c.863A>G on transcript NM_001370259.2 (MANE Select); coding-DNA position 863, A replaced by G.
Protein change: p.Glu288Gly; replaces glutamic acid 288 with glycine.
Molecular consequence: missense variant. On other transcripts: non-coding transcript variant (4).
Genome position (GRCh38, 1-based): chr11:64,807,060, T>C on the plus strand (A>G on the coding strand, the complement: MEN1 is on the minus strand). VCF-style: chr11-64807060-T-C. GRCh37 (hg19) VCF-style: chr11-64574532-T-C.
Other names: c.878A>G, p.Glu293Gly (NM_000244.4, NM_001407145.1, NM_001407150.1 and 5 more transcripts); c.863A>G, p.Glu288Gly (NM_001370251.2, NM_001370260.2, NM_001370261.2 and 7 more transcripts); c.758A>G, p.Glu253Gly (NM_001370262.2, NM_001370263.2, NM_001407148.1 and 2 more transcripts); short protein forms E253G, E288G, E293G.
Identifiers: ClinVar variation 3294221 (VCV003294221.1).

ClinVar aggregate classification (germline): Uncertain significance (1 of 4 stars; one submission).

Conditions:
Hereditary cancer-predisposing syndrome. Also called: Tumor predisposition; Hereditary Cancer Syndrome; Hereditary neoplastic syndrome; Neoplastic Syndromes, Hereditary. Identifiers: Orphanet 140162, MedGen C0027672, MeSH D009386, MONDO:0015356.

Submission:

Ambry Genetics
Classification: Uncertain significance for Hereditary cancer-predisposing syndrome. Last evaluated: 2024-05-19. Review status: criteria provided, single submitter. Criteria: Ambry Variant Classification Scheme 2023. Collection method: clinical testing. Allele origin: germline.
Comment: The p.E288G variant (also known as c.863A>G), located in coding exon 5 of the MEN1 gene, results from an A to G substitution at nucleotide position 863. The glutamic acid at codon 288 is replaced by glycine, an amino acid with similar properties. This amino acid position is conserved. In addition, the in silico prediction for this alteration is inconclusive. Based on the available evidence, the clinical significance of this variant remains unclear.